The following is an entry in ClinVar:

ClinVar aggregate classification (germline): Benign/Likely benign. Review status: criteria provided, multiple submitters, no conflicts (2 of 4 stars). 6 submissions from 6 submitters: Benign (1); Likely benign (5). Last evaluated 2025-12-06.

Conditions:
Bethlem myopathy 1A. Also called: MYOPATHY, BENIGN CONGENITAL, WITH CONTRACTURES; Bethlem myopathy 1; Bethlem Muscular Dystrophy. Identifiers: Orphanet 610, MedGen CN029274, MONDO:0024530, OMIM 158810.

Allele frequency attached by ClinVar (database versions not stated): gnomAD exomes 0.00030 and 0.00011; 1000 Genomes Project 0.00100; ESP Exome Variant Server 0.00131; ExAC 0.00042; 1000 Genomes Project 30x 0.00078; gnomAD 0.00117 and 0.00122; TOPMed 0.00123.
gnomAD v4.1: 342 of 1,614,040 alleles (0.021%); highest among the groups gnomAD compares: African/African-American, 0.38%; 2 homozygotes.

Submissions (6):

Labcorp Genetics (formerly Invitae), Labcorp
Classification: Likely benign for Bethlem myopathy 1A. Last evaluated: 2025-12-06. Review status: criteria provided, single submitter. Criteria: Invitae Variant Classification Sherloc (09022015). Collection method: clinical testing. Allele origin: germline.

CeGaT Center for Human Genetics Tuebingen
Classification: Likely benign. Last evaluated: 2025-12-01. Review status: criteria provided, single submitter. Criteria: CeGaT Center For Human Genetics Tuebingen Variant Classification Criteria Version 2. Collection method: clinical testing. Allele origin: germline. Affected: yes. Observed: 1 variant allele.
Comment: COL6A3: BS2

Women's Health and Genetics/Laboratory Corporation of America, LabCorp
Classification: Likely benign. Last evaluated: 2025-11-05. Review status: criteria provided, single submitter. Criteria: LabCorp Variant Classification Summary - May 2015. Collection method: clinical testing. Allele origin: germline.
Comment: Variant summary: COL6A3 c.4090G>A (p.Val1364Met) results in a conservative amino acid change in the encoded protein sequence. Algorithms developed to predict the effect of missense changes on protein structure and function are either unavailable or do not agree on the potential impact of this missense change. The variant allele was found at a frequency of 0.0003 in 251320 control chromosomes, predominantly at a frequency of 0.0039 within the African or African-American subpopulation in the gnomAD database, including 1 homozygotes. The observed variant frequency within African or African-American control individuals in the gnomAD database exceeds the estimated maximal expected allele frequency for disease-causing variants in COL6A3. To our knowledge, no occurrence of c.4090G>A in individuals affected with COL6A3-related conditions and no experimental evidence demonstrating its impact on protein function have been reported. ClinVar contains an entry for this variant (Variation ID: 94927). Based on the evidence outlined above, the variant was classified as likely benign.

GeneDx
Classification: Likely benign. Last evaluated: 2017-05-15. Review status: criteria provided, single submitter. Criteria: GeneDx Variant Classification (06012015). Collection method: clinical testing. Allele origin: germline. Affected: yes.
Comment: This variant is considered likely benign or benign based on one or more of the following criteria: it is a conservative change, it occurs at a poorly conserved position in the protein, it is predicted to be benign by multiple in silico algorithms, and/or has population frequency not consistent with disease.

Eurofins Ntd Llc (ga)
Classification: Benign. Last evaluated: 2012-11-05. Review status: criteria provided, single submitter. Criteria: EGL Classification Definitions 2015. Collection method: clinical testing. Allele origin: germline. Observed: 1 variant allele, 1 heterozygote.

Breakthrough Genomics
Classification: Likely benign. Review status: criteria provided, single submitter. Criteria: ACMG Guidelines, 2015. Collection method: not provided. Allele origin: germline. Inheritance: Autosomal recessive inheritance. Affected: yes.

NM_004369.4(COL6A3):c.4090G>A (p.Val1364Met)

Gene: COL6A3 (collagen type VI alpha 3 chain; minus strand). Cytogenetic location: 2q37.3.
Variant type: single nucleotide variant.
Coding change: c.4090G>A on transcript NM_004369.4 (MANE Select); coding-DNA position 4090, G replaced by A.
Protein change: p.Val1364Met; replaces valine 1364 with methionine.
Molecular consequence: missense variant.
Genome position (GRCh38, 1-based): chr2:237,371,927, C>T on the plus strand (G>A on the coding strand, the complement: COL6A3 is on the minus strand). VCF-style: chr2-237371927-C-T. GRCh37 (hg19) VCF-style: chr2-238280570-C-T.
Other names: c.2869G>A, p.Val957Met (NM_057164.5); c.3472G>A, p.Val1158Met (NM_057165.5, NM_057167.4); c.2269G>A, p.Val757Met (NM_057166.5); short protein forms V757M, V1158M, V957M.
Identifiers: ClinVar variation 94927 (VCV000094927.23), dbSNP rs35524572, ClinGen allele CA147953.